The following is an entry in ClinVar:

NM_001429.4(EP300):c.372C>T (p.Ser124=)

Gene: EP300 (EP300 lysine acetyltransferase; plus strand). Cytogenetic location: 22q13.2.
Variant type: single nucleotide variant.
Coding change: c.372C>T on transcript NM_001429.4 (MANE Select); coding-DNA position 372, C replaced by T.
Protein change: p.Ser124=; no amino-acid change (serine 124 retained).
Molecular consequence: synonymous variant.
Genome position (GRCh38, 1-based): chr22:41,117,464, C>T. VCF-style: chr22-41117464-C-T. GRCh37 (hg19) VCF-style: chr22-41513468-C-T.
Other names: c.372C>T, p.Ser124= (NM_001362843.2); c.372C>T (NM_001429.3).
Identifiers: ClinVar variation 3726496 (VCV003726496.13).

ClinVar aggregate classification (germline): Conflicting classifications of pathogenicity. Review status: criteria provided, conflicting classifications (1 of 4 stars). 3 submissions from 3 submitters: Uncertain significance (1); Benign (1); Likely benign (1). Last evaluated 2025-06-01.

Conditions:
EP300-related disorder. Also called: EP300-related condition; EP300-related disorders.
Rubinstein-Taybi syndrome due to EP300 haploinsufficiency. Also called: RUBINSTEIN-TAYBI SYNDROME 2; EP300-Related Rubinstein-Taybi Syndrome. Identifiers: Orphanet 353284, Orphanet 783, MedGen C3150941, MONDO:0013364, OMIM 613684.

Submissions (3):

CeGaT Center for Human Genetics Tuebingen
Classification: Uncertain significance. Last evaluated: 2025-06-01. Review status: criteria provided, single submitter. Criteria: CeGaT Center For Human Genetics Tuebingen Variant Classification Criteria Version 2. Collection method: clinical testing. Allele origin: germline. Affected: yes. Observed: 1 variant allele.
Comment: EP300: PM2:Supporting, BP4

PreventionGenetics, part of Exact Sciences
Classification: Likely benign for EP300-related condition. Last evaluated: 2025-01-03. Review status: criteria provided, single submitter. Criteria: ACMG Guidelines, 2015. Collection method: clinical testing. Allele origin: germline.
Comment: This variant is classified as likely benign based on ACMG/AMP sequence variant interpretation guidelines (Richards et al. 2015 PMID: 25741868, with internal and published modifications).

Labcorp Genetics (formerly Invitae), Labcorp
Classification: Benign for Rubinstein-Taybi syndrome due to EP300 haploinsufficiency. Last evaluated: 2024-12-17. Review status: criteria provided, single submitter. Criteria: Invitae Variant Classification Sherloc (09022015). Collection method: clinical testing. Allele origin: germline.